The following is an entry in ClinVar:

ClinVar aggregate classification (germline): Uncertain significance (1 of 4 stars; one submission).

Submission:

GeneDx
Classification: Uncertain significance. Last evaluated: 2019-08-27. Review status: criteria provided, single submitter. Criteria: GeneDx Variant Classification Process June 2021. Collection method: clinical testing. Allele origin: germline. Affected: yes.
Comment: Not observed in large population cohorts (Lek et al., 2016); In silico analysis, which includes protein predictors and evolutionary conservation, supports a deleterious effect; Has not been previously published as pathogenic or benign to our knowledge

NM_001003694.2(BRPF1):c.1940A>C (p.Lys647Thr)

Gene: BRPF1 (bromodomain and PHD finger containing 1; plus strand). Cytogenetic location: 3p25.3.
Variant type: single nucleotide variant.
Coding change: c.1940A>C on transcript NM_001003694.2 (MANE Select); coding-DNA position 1940, A replaced by C.
Protein change: p.Lys647Thr; replaces lysine 647 with threonine.
Molecular consequence: missense variant. On other transcripts: non-coding transcript variant (1).
Genome position (GRCh38, 1-based): chr3:9,742,110, A>C. VCF-style: chr3-9742110-A-C. GRCh37 (hg19) VCF-style: chr3-9783794-A-C.
Other names: c.1940A>C, p.Lys647Thr (NM_001319049.2, NM_001319050.2, NM_004634.3); short protein forms K647T.
Identifiers: ClinVar variation 1308079 (VCV001308079.2), dbSNP rs2125506127, ClinGen allele CA351692243.